The following is an entry in ClinVar:

NM_001146.5(ANGPT1):c.46C>A (p.His16Asn)

Gene: ANGPT1 (angiopoietin 1; minus strand). Cytogenetic location: 8q23.1.
Variant type: single nucleotide variant.
Coding change: c.46C>A on transcript NM_001146.5 (MANE Select); coding-DNA position 46, C replaced by A.
Protein change: p.His16Asn; replaces histidine 16 with asparagine.
Molecular consequence: missense variant.
Genome position (GRCh38, 1-based): chr8:107,497,513, G>T on the plus strand (C>A on the coding strand, the complement: ANGPT1 is on the minus strand). VCF-style: chr8-107497513-G-T. GRCh37 (hg19) VCF-style: chr8-108509741-G-T.
Other names: c.46C>A, p.His16Asn (NM_001199859.3); short protein forms H16N.
Identifiers: ClinVar variation 4692847 (VCV004692847.1).

ClinVar aggregate classification (germline): Uncertain significance (1 of 4 stars; one submission).

Submission:

Labcorp Genetics (formerly Invitae), Labcorp
Classification: Uncertain significance. Last evaluated: 2025-04-17. Review status: criteria provided, single submitter. Criteria: Invitae Variant Classification Sherloc (09022015). Collection method: clinical testing. Allele origin: germline.
Comment: This sequence change replaces histidine, which is basic and polar, with asparagine, which is neutral and polar, at codon 16 of the ANGPT1 protein (p.His16Asn). This variant is not present in population databases (gnomAD no frequency). This variant has not been reported in the literature in individuals affected with ANGPT1-related conditions. An algorithm developed to predict the effect of missense changes on protein structure and function (PolyPhen-2) suggests that this variant is likely to be tolerated. In summary, the available evidence is currently insufficient to determine the role of this variant in disease. Therefore, it has been classified as a Variant of Uncertain Significance.